The following is an entry in ClinVar:

ClinVar aggregate classification (germline): Uncertain significance (1 of 4 stars; one submission).

Conditions:
Severe combined immunodeficiency due to DNA-PKcs deficiency. Also called: IMMUNODEFICIENCY 26 WITH NEUROLOGIC ABNORMALITIES; Immunodeficiency 26 with or without neurologic abnormalities. Identifiers: Orphanet 317425, MedGen C4014833, MONDO:0014423, OMIM 615966.

gnomAD v4.1: 3 of 1,587,964 alleles (0.00019%); highest among the groups gnomAD compares: Non-Finnish European, 0.00017%; no homozygotes.

Submission:

Labcorp Genetics (formerly Invitae), Labcorp
Classification: Uncertain significance for Severe combined immunodeficiency due to DNA-PKcs deficiency. Last evaluated: 2024-12-24. Review status: criteria provided, single submitter. Criteria: Invitae Variant Classification Sherloc (09022015). Collection method: clinical testing. Allele origin: germline.
Comment: This sequence change replaces methionine, which is neutral and non-polar, with isoleucine, which is neutral and non-polar, at codon 3858 of the PRKDC protein (p.Met3858Ile). This variant is not present in population databases (gnomAD no frequency). This variant has not been reported in the literature in individuals affected with PRKDC-related conditions. Invitae Evidence Modeling of protein sequence and biophysical properties (such as structural, functional, and spatial information, amino acid conservation, physicochemical variation, residue mobility, and thermodynamic stability) indicates that this missense variant is not expected to disrupt PRKDC protein function with a negative predictive value of 80%. In summary, the available evidence is currently insufficient to determine the role of this variant in disease. Therefore, it has been classified as a Variant of Uncertain Significance.

NM_006904.7(PRKDC):c.11574G>A (p.Met3858Ile)

Gene: PRKDC (protein kinase, DNA-activated, catalytic subunit; minus strand). Cytogenetic location: 8q11.21.
Variant type: single nucleotide variant.
Coding change: c.11574G>A on transcript NM_006904.7 (MANE Select); coding-DNA position 11574, G replaced by A.
Protein change: p.Met3858Ile; replaces methionine 3858 with isoleucine.
Molecular consequence: missense variant.
Genome position (GRCh38, 1-based): chr8:47,779,009, C>T on the plus strand (G>A on the coding strand, the complement: PRKDC is on the minus strand). VCF-style: chr8-47779009-C-T. GRCh37 (hg19) VCF-style: chr8-48691570-C-T.
Other names: c.11481G>A, p.Met3827Ile (NM_001081640.2); short protein forms M3827I, M3858I.
Identifiers: ClinVar variation 3620433 (VCV003620433.1).
Genomic context (GRCh38, chr8:47,779,009, plus strand): 5'-CAATTTGCAGAAGAATGAACTAACTAATACAAAGAAAAATCAAAACCAAACTTACTTATA[C>T]ATTAGCATGTAAGCTCCAACATCATGTTTTCCTGACATTTTTGTCAGCCAATCTTTATAT-3'
Protein context (NP_008835.5, residues 3848-3868): GKHDVGAYML[Met3858Ile]YKGANRTETV